The following is an entry in ClinVar:

NM_004304.5(ALK):c.4323ACC[1] (p.Pro1443del)

Gene: ALK (ALK receptor tyrosine kinase; minus strand). Cytogenetic location: 2p23.2.
Variant type: Microsatellite.
Coding change: c.4323ACC[1] on transcript NM_004304.5 (MANE Select); one copy of the 3-base unit ACC starting at c.4323; the reference has two copies in a row; one copy, 3 bases deleted.
Protein change: p.Pro1443del; deletes proline 1443.
Molecular consequence: inframe deletion.
Genome position (GRCh38, 1-based): chr2:29,193,759-29,193,761, GGT deleted on the plus strand (ACC on the coding strand, the reverse complement: ALK is on the minus strand); deleting any 3 consecutive bases within chr2:29,193,759-29,193,766 gives the same sequence; the position shown is the placement nearest the transcript's 3' end. VCF-style (leftmost placement, unchanged base first): chr2-29193758-AGGT-A. GRCh37 (hg19) VCF-style: chr2-29416624-AGGT-A.
Other names: c.4326_4328delACC (NM_004304.4); c.1119ACC[1], p.Pro375del (NM_001353765.2); short protein forms P1443del, P375del.
Identifiers: ClinVar variation 1398089 (VCV001398089.7), dbSNP rs2148138704, ClinGen allele CA2580611275.

ClinVar aggregate classification (germline): Uncertain significance. Review status: criteria provided, multiple submitters, no conflicts (2 of 4 stars). 2 submissions from 2 submitters: Uncertain significance (2). Last evaluated 2025-08-06.

Conditions:
Hereditary cancer-predisposing syndrome. Also called: Neoplastic Syndromes, Hereditary; Hereditary neoplastic syndrome; Hereditary Cancer Syndrome; Tumor predisposition. Identifiers: Orphanet 140162, MedGen C0027672, MeSH D009386, MONDO:0015356.
Neuroblastoma, susceptibility to, 3. Also called: ALK-Related Neuroblastic Tumor Susceptibility. Identifiers: Orphanet 635, MedGen C2751681, MONDO:0013083, OMIM 613014.

Submissions (2):

Ambry Genetics
Classification: Uncertain significance for Hereditary cancer-predisposing syndrome. Last evaluated: 2025-08-06. Review status: criteria provided, single submitter. Criteria: Ambry Variant Classification Scheme 2023. Collection method: clinical testing. Allele origin: germline.
Comment: The c.4326_4328delACC variant (also known as p.P1443del) is located in coding exon 29 of the ALK gene. This variant results from an in-frame ACC deletion at nucleotide positions 4326 to 4328. This results in the in-frame deletion of a proline at codon 1443. This amino acid position is not well conserved in available vertebrate species. In addition, this variant is predicted to be deleterious by in silico analysis (Choi Y et al. PLoS ONE. 2012; 7(10):e46688). Based on the available evidence, the clinical significance of this variant remains unclear.

Labcorp Genetics (formerly Invitae), Labcorp
Classification: Uncertain significance for Neuroblastoma, susceptibility to, 3. Last evaluated: 2022-03-08. Review status: criteria provided, single submitter. Criteria: Invitae Variant Classification Sherloc (09022015). Collection method: clinical testing. Allele origin: germline.
Comment: In summary, the available evidence is currently insufficient to determine the role of this variant in disease. Therefore, it has been classified as a Variant of Uncertain Significance. Experimental studies and prediction algorithms are not available or were not evaluated, and the functional significance of this variant is currently unknown. This variant has not been reported in the literature in individuals affected with ALK-related conditions. This variant is not present in population databases (gnomAD no frequency). This variant, c.4326_4328del, results in the deletion of 1 amino acid(s) of the ALK protein (p.Pro1443del), but otherwise preserves the integrity of the reading frame.